The following is an entry in ClinVar:

NM_014363.6(SACS):c.11963A>G (p.Lys3988Arg)

Gene: SACS (sacsin molecular chaperone; minus strand). Cytogenetic location: 13q12.12.
Variant type: single nucleotide variant.
Coding change: c.11963A>G on transcript NM_014363.6 (MANE Select); coding-DNA position 11963, A replaced by G.
Protein change: p.Lys3988Arg; replaces lysine 3988 with arginine.
Molecular consequence: missense variant.
Genome position (GRCh38, 1-based): chr13:23,331,913, T>C on the plus strand (A>G on the coding strand, the complement: SACS is on the minus strand). VCF-style: chr13-23331913-T-C. GRCh37 (hg19) VCF-style: chr13-23906052-T-C.
Other names: c.11522A>G, p.Lys3841Arg (NM_001278055.2); short protein forms K3988R, K3841R.
Identifiers: ClinVar variation 1501724 (VCV001501724.3), dbSNP rs1883502413, ClinGen allele CA387508799.

ClinVar aggregate classification (germline): Uncertain significance (1 of 4 stars; one submission).

Conditions:
Spastic paraplegia. Identifiers: MedGen C0037772, HP:0001258.

Allele frequency attached by ClinVar (database versions not stated): TOPMed below 0.00001.
gnomAD v4.1: 1 of 1,614,066 alleles (0.000062%); highest among the groups gnomAD compares: Non-Finnish European, 0.000085%; no homozygotes.

Submission:

Labcorp Genetics (formerly Invitae), Labcorp
Classification: Uncertain significance for Spastic paraplegia. Last evaluated: 2021-08-29. Review status: criteria provided, single submitter. Criteria: Invitae Variant Classification Sherloc (09022015). Collection method: clinical testing. Allele origin: germline.
Comment: This sequence change replaces lysine with arginine at codon 3988 of the SACS protein (p.Lys3988Arg). The lysine residue is moderately conserved and there is a small physicochemical difference between lysine and arginine. This variant is not present in population databases (ExAC no frequency). This variant has not been reported in the literature in individuals affected with SACS-related conditions. Advanced modeling of protein sequence and biophysical properties (such as structural, functional, and spatial information, amino acid conservation, physicochemical variation, residue mobility, and thermodynamic stability) performed at Invitae indicates that this missense variant is not expected to disrupt SACS protein function. In summary, the available evidence is currently insufficient to determine the role of this variant in disease. Therefore, it has been classified as a Variant of Uncertain Significance.